The following is an entry in ClinVar:

ClinVar aggregate classification (germline): Uncertain significance. Review status: criteria provided, multiple submitters, no conflicts (2 of 4 stars). 2 submissions from 2 submitters: Uncertain significance (2). Last evaluated 2024-06-07.

Conditions:
Imerslund-Grasbeck syndrome type 2. Also called: Megaloblastic anemia 1, Norwegian type; MEGALOBLASTIC ANEMIA, NORWEGIAN TYPE; Imerslund-Gräsbeck syndrome 2. Identifiers: MedGen C4016948, MONDO:0100157, OMIM 618882.
Imerslund-Grasbeck syndrome. Also called: ENTEROCYTE COBALAMIN MALABSORPTION; ENTEROCYTE INTRINSIC FACTOR RECEPTOR, DEFECT OF; Megaloblastic anemia due to inborn errors of metabolism; Imerslund-Gräsbeck syndrome; PERNICIOUS ANEMIA, JUVENILE, DUE TO SELECTIVE INTESTINAL MALABSORPTION OF VITAMIN B12, WITH PROTEINURIA. Identifiers: Orphanet 35858, MedGen C4551825, MONDO:0009853.

Allele frequency attached by ClinVar (database versions not stated): gnomAD exomes below 0.00001; TOPMed below 0.00001; gnomAD 0.00001.
gnomAD v4.1: 4 of 1,603,086 alleles (0.00025%); highest among the groups gnomAD compares: Middle Eastern, 0.016%; no homozygotes.

Submissions (2):

Fulgent Genetics
Classification: Uncertain significance for Imerslund-Grasbeck syndrome type 2. Last evaluated: 2024-06-07. Review status: criteria provided, single submitter. Criteria: ACMG Guidelines, 2015. Collection method: clinical testing. Allele origin: germline.

Labcorp Genetics (formerly Invitae), Labcorp
Classification: Uncertain significance for Imerslund-Grasbeck syndrome. Last evaluated: 2022-07-22. Review status: criteria provided, single submitter. Criteria: Invitae Variant Classification Sherloc (09022015). Collection method: clinical testing. Allele origin: germline.
Comment: This sequence change replaces serine, which is neutral and polar, with threonine, which is neutral and polar, at codon 147 of the AMN protein (p.Ser147Thr). This variant is present in population databases (no rsID available, gnomAD 0.007%). This variant has not been reported in the literature in individuals affected with AMN-related conditions. Algorithms developed to predict the effect of missense changes on protein structure and function output the following: SIFT: "Tolerated"; PolyPhen-2: "Benign"; Align-GVGD: "Class C0". The threonine amino acid residue is found in multiple mammalian species, which suggests that this missense change does not adversely affect protein function. Algorithms developed to predict the effect of sequence changes on RNA splicing suggest that this variant may disrupt the consensus splice site. In summary, the available evidence is currently insufficient to determine the role of this variant in disease. Therefore, it has been classified as a Variant of Uncertain Significance.

NM_030943.4(AMN):c.440G>C (p.Ser147Thr)

Gene: AMN (amnion associated transmembrane protein; plus strand). Cytogenetic location: 14q32.32.
Variant type: single nucleotide variant.
Coding change: c.440G>C on transcript NM_030943.4 (MANE Select); coding-DNA position 440, G replaced by C.
Protein change: p.Ser147Thr; replaces serine 147 with threonine.
Molecular consequence: missense variant.
Genome position (GRCh38, 1-based): chr14:102,928,902, G>C. VCF-style: chr14-102928902-G-C. GRCh37 (hg19) VCF-style: chr14-103395239-G-C.
Other names: short protein forms S147T.
Identifiers: ClinVar variation 1974993 (VCV001974993.3), dbSNP rs1454376325, ClinGen allele CA391080655.